The following is an entry in ClinVar:

NM_000540.3(RYR1):c.7201C>T (p.Arg2401Trp)

Gene: RYR1 (ryanodine receptor 1; plus strand). Cytogenetic location: 19q13.2.
Variant type: single nucleotide variant.
Coding change: c.7201C>T on transcript NM_000540.3 (MANE Select); coding-DNA position 7201, C replaced by T.
Protein change: p.Arg2401Trp; replaces arginine 2401 with tryptophan.
Molecular consequence: missense variant.
Genome position (GRCh38, 1-based): chr19:38,499,808, C>T. VCF-style: chr19-38499808-C-T. GRCh37 (hg19) VCF-style: chr19-38990448-C-T.
Other names: c.7201C>T, p.Arg2401Trp (NM_001042723.2); short protein forms R2401W.
Identifiers: ClinVar variation 3385442 (VCV003385442.1).

ClinVar aggregate classification (germline): Uncertain significance (1 of 4 stars; one submission).

Conditions:
Malignant hyperthermia, susceptibility to, 1 (MHS1). Also called: Anesthesia related hyperthermia; Malignant hyperpyrexia; Fulminating hyperpyrexia; Pharmacogenic myopathy; Malignant hyperthermia suceptibility 1; RYR1-Related Malignant Hyperthermia Susceptibility. Identifiers: Orphanet 423, MedGen C2930980, MONDO:0007783, OMIM 145600.

gnomAD v4.1: 11 of 1,604,954 alleles (0.00069%); highest among the groups gnomAD compares: Non-Finnish European, 0.00093%; no homozygotes.

Submission:

All of Us Research Program, National Institutes of Health
Classification: Uncertain significance for Malignant hyperthermia, susceptibility to, 1. Last evaluated: 2024-08-23. Review status: criteria provided, single submitter. Criteria: ACMG Guidelines, 2015. Collection method: clinical testing. Allele origin: germline. Inheritance: Autosomal dominant inheritance. Observed: 1 variant allele, 1 heterozygote.
Comment: This missense variant replaces arginine with tryptophan at codon 2401 of the RYR1 protein. Computational prediction suggests that this variant may have deleterious impact on protein structure and function. To our knowledge, functional studies have not been reported for this variant. This variant has not been reported in individuals affected with RYR1-related disorders in the literature. This variant has not been identified in the general population by the Genome Aggregation Database (gnomAD). The available evidence is insufficient to determine the role of this variant in disease conclusively. Therefore, this variant is classified as a Variant of Uncertain Significance.

This study involves interpretation of variants in research participants for the purpose of population health screening. Participant phenotype was not available at the time of variant classification. Additional details can be found in publication PMID: 35346344, PMCID: PMC8962531